The following is an entry in ClinVar:

ClinVar aggregate classification (germline): Uncertain significance (1 of 4 stars; one submission).

Conditions:
Epidermodysplasia verruciformis. Identifiers: Orphanet 302, MedGen C0014522, MONDO:0009176.

Allele frequency attached by ClinVar (database versions not stated): ExAC 0.00001; gnomAD exomes 0.00002.
gnomAD v4.1: 8 of 1,613,534 alleles (0.0005%); highest among the groups gnomAD compares: South Asian, 0.0066%; no homozygotes.

Submission:

Labcorp Genetics (formerly Invitae), Labcorp
Classification: Uncertain significance for Epidermodysplasia verruciformis. Last evaluated: 2024-04-05. Review status: criteria provided, single submitter. Criteria: Invitae Variant Classification Sherloc (09022015). Collection method: clinical testing. Allele origin: germline.
Comment: This sequence change replaces asparagine, which is neutral and polar, with serine, which is neutral and polar, at codon 338 of the TMC6 protein (p.Asn338Ser). This variant is present in population databases (rs760333391, gnomAD 0.01%). This variant has not been reported in the literature in individuals affected with TMC6-related conditions. ClinVar contains an entry for this variant (Variation ID: 852771). Algorithms developed to predict the effect of missense changes on protein structure and function output the following: SIFT: "Not Available"; PolyPhen-2: "Benign"; Align-GVGD: "Not Available". The serine amino acid residue is found in multiple mammalian species, which suggests that this missense change does not adversely affect protein function. In summary, the available evidence is currently insufficient to determine the role of this variant in disease. Therefore, it has been classified as a Variant of Uncertain Significance.

NM_001127198.5(TMC6):c.1013A>G (p.Asn338Ser)

Gene: TMC6 (transmembrane channel like 6; minus strand). Cytogenetic location: 17q25.3.
Variant type: single nucleotide variant.
Coding change: c.1013A>G on transcript NM_001127198.5 (MANE Select); coding-DNA position 1013, A replaced by G.
Protein change: p.Asn338Ser; replaces asparagine 338 with serine.
Molecular consequence: missense variant.
Genome position (GRCh38, 1-based): chr17:78,124,058, T>C on the plus strand (A>G on the coding strand, the complement: TMC6 is on the minus strand). VCF-style: chr17-78124058-T-C. GRCh37 (hg19) VCF-style: chr17-76120139-T-C.
Other names: c.1013A>G, p.Asn338Ser (NM_001321185.1, NM_001374593.1, NM_001374594.1 and 4 more transcripts); short protein forms N338S.
Identifiers: ClinVar variation 852771 (VCV000852771.8), dbSNP rs760333391, ClinGen allele CA8795908.